The following is an entry in ClinVar:

ClinVar aggregate classification (germline): Likely benign. Review status: criteria provided, multiple submitters, no conflicts (2 of 4 stars). 3 submissions from 2 submitters: Likely benign (3). Last evaluated 2022-04-17.

Conditions:
Susceptibility to mononeuropathy of the median nerve, mild. Also called: CARPAL TUNNEL SYNDROME, SUSCEPTIBILITY TO. Identifiers: MedGen C3150596, MONDO:0013237, OMIM 613353.
Charcot-Marie-Tooth disease type 4C (CMT4C). Also called: CHARCOT-MARIE-TOOTH DISEASE, DEMYELINATING, AUTOSOMAL RECESSIVE, TYPE 4C; CMT 4C; Charcot-Marie-Tooth Neuropathy Type 4C (CMT4C); CHARCOT-MARIE-TOOTH DISEASE, DEMYELINATING, TYPE 4C; SH3TC2-Related Hereditary Motor and Sensory Neuropathy. Identifiers: Orphanet 99949, MedGen C1866636, MONDO:0011113, OMIM 601596.

Allele frequency attached by ClinVar (database versions not stated): 1000 Genomes Project 30x 0.00344; gnomAD 0.00344 and 0.00372; 1000 Genomes Project 0.00359; TOPMed 0.00393.

Submissions (3):

GeneDx
Classification: Likely benign. Last evaluated: 2022-04-17. Review status: criteria provided, single submitter. Criteria: GeneDx Variant Classification Process June 2021. Collection method: clinical testing. Allele origin: germline. Affected: yes.

Illumina Laboratory Services, Illumina
Classification: Likely benign for Charcot-Marie-Tooth disease type 4C. Last evaluated: 2018-01-12. Review status: criteria provided, single submitter. Criteria: ICSL Variant Classification Criteria 13 December 2019. Collection method: clinical testing. Allele origin: germline.
Comment: This variant was observed in the ICSL laboratory as part of a predisposition screen in an ostensibly healthy population. It had not been previously curated by ICSL or reported in the Human Gene Mutation Database (HGMD: prior to June 1st, 2018), and was therefore a candidate for classification through an automated scoring system. Utilizing variant allele frequency, disease prevalence and penetrance estimates, and inheritance mode, an automated score was calculated to assess if this variant is too frequent to cause the disease. Based on the score and internal cut-off values, a variant classified as likely benign is not then subjected to further curation. The score for this variant resulted in a classification of likely benign for this disease.

Illumina Laboratory Services, Illumina
Classification: Likely benign for Susceptibility to mononeuropathy of the median nerve, mild. Last evaluated: 2018-01-12. Review status: criteria provided, single submitter. Criteria: ICSL Variant Classification Criteria 13 December 2019. Collection method: clinical testing. Allele origin: germline.
Comment: the same text as in the submission from Illumina Laboratory Services, Illumina above.

NM_024577.4(SH3TC2):c.*3061A>G

Gene: SH3TC2 (SH3 domain and tetratricopeptide repeats 2; minus strand). Cytogenetic location: 5q32.
Variant type: single nucleotide variant.
Coding change: c.*3061A>G on transcript NM_024577.4 (MANE Select); 3061 bases downstream of the stop codon, A replaced by G.
Molecular consequence: 3 prime UTR variant.
Genome position (GRCh38, 1-based): chr5:149,001,650, T>C on the plus strand (A>G on the coding strand, the complement: SH3TC2 is on the minus strand). VCF-style: chr5-149001650-T-C. GRCh37 (hg19) VCF-style: chr5-148381213-T-C.
Identifiers: ClinVar variation 351844 (VCV000351844.6), dbSNP rs138823547, ClinGen allele CA10623492.